The following is an entry in ClinVar:

NM_000090.4(COL3A1):c.79+5G>A

Gene: COL3A1 (collagen type III alpha 1 chain; plus strand). Cytogenetic location: 2q32.2.
Variant type: single nucleotide variant.
Coding change: c.79+5G>A on transcript NM_000090.4 (MANE Select); 5 bases into the intron after coding-DNA position 79, G replaced by A.
Molecular consequence: intron variant.
Genome position (GRCh38, 1-based): chr2:188,974,573, G>A. VCF-style: chr2-188974573-G-A. GRCh37 (hg19) VCF-style: chr2-189839299-G-A.
Identifiers: ClinVar variation 3644507 (VCV003644507.2).

ClinVar aggregate classification (germline): Uncertain significance (1 of 4 stars; one submission).

Conditions:
Ehlers-Danlos syndrome, type 4 (EDSVASC). Also called: Ehlers-Danlos syndrome vascular type; Ehlers Danlos syndrome, ecchymotic type; Ehlers Danlos syndrome, arterial type; Ehlers Danlos syndrome, Sack-Barabas type; Ehlers-Danlos Syndrome Type IV. Identifiers: Orphanet 286, MedGen C0268338, MONDO:0017314, OMIM 130050.

Submission:

Labcorp Genetics (formerly Invitae), Labcorp
Classification: Uncertain significance for Ehlers-Danlos syndrome, type 4. Last evaluated: 2024-03-04. Review status: criteria provided, single submitter. Criteria: Invitae Variant Classification Sherloc (09022015). Collection method: clinical testing. Allele origin: germline.
Comment: This sequence change falls in intron 1 of the COL3A1 gene. It does not directly change the encoded amino acid sequence of the COL3A1 protein. It affects a nucleotide within the consensus splice site. This variant is not present in population databases (gnomAD no frequency). This variant has not been reported in the literature in individuals affected with COL3A1-related conditions. Variants that disrupt the consensus splice site are a relatively common cause of aberrant splicing (PMID: 17576681, 9536098). Algorithms developed to predict the effect of sequence changes on RNA splicing suggest that this variant may disrupt the consensus splice site. In summary, the available evidence is currently insufficient to determine the role of this variant in disease. Therefore, it has been classified as a Variant of Uncertain Significance.

Literature cited by the submitters: PubMed 17576681; PubMed 9536098.